The following is an entry in ClinVar:

NM_025136.4(OPA3):c.493A>C (p.Asn165His)

Genes: OPA3 (outer mitochondrial membrane lipid metabolism regulator OPA3; minus strand), OPA3-RTN2 (OPA3-RTN2 readthrough; minus strand). Cytogenetic location: 19q13.32.
Variant type: single nucleotide variant.
Coding change: c.493A>C on transcript NM_025136.4 (MANE Select); coding-DNA position 493, A replaced by C.
Protein change: p.Asn165His; replaces asparagine 165 with histidine.
Molecular consequence: missense variant. On other transcripts: intron variant (1).
Genome position (GRCh38, 1-based): chr19:45,553,561, T>G on the plus strand (A>C on the coding strand, the complement: OPA3 is on the minus strand). VCF-style: chr19-45553561-T-G. GRCh37 (hg19) VCF-style: chr19-46056819-T-G.
Other names: c.143-24105A>C (NM_001017989.3); short protein forms N165H.
Identifiers: ClinVar variation 4783345 (VCV004783345.1).

ClinVar aggregate classification (germline): Uncertain significance (1 of 4 stars; one submission).

Conditions:
Optic atrophy 3 (OPA3). Also called: OPTIC ATROPHY 3, AUTOSOMAL DOMINANT; Optic atrophy, cataract, and neurologic disorder; Optic atrophy 3 with cataract. Identifiers: Orphanet 67036, MedGen C1833809, MONDO:0008133, OMIM 165300.
3-Methylglutaconic aciduria type 3 (MGCA3). Also called: OPA3, AUTOSOMAL RECESSIVE; OPTIC ATROPHY 3, AUTOSOMAL RECESSIVE; Costeff Syndrome; OPA3-Related 3-Methylglutaconic Aciduria. Identifiers: Orphanet 67047, MedGen C0574084, MONDO:0009787, OMIM 258501.

Submission:

Labcorp Genetics (formerly Invitae), Labcorp
Classification: Uncertain significance for 3-Methylglutaconic aciduria type 3; Optic atrophy 3. Last evaluated: 2025-03-25. Review status: criteria provided, single submitter. Criteria: Invitae Variant Classification Sherloc (09022015). Collection method: clinical testing. Allele origin: germline.
Comment: This sequence change replaces asparagine, which is neutral and polar, with histidine, which is basic and polar, at codon 165 of the OPA3 protein (p.Asn165His). This variant is not present in population databases (gnomAD no frequency). This variant has not been reported in the literature in individuals affected with OPA3-related conditions. An algorithm developed to predict the effect of missense changes on protein structure and function (PolyPhen-2) suggests that this variant is likely to be tolerated. In summary, the available evidence is currently insufficient to determine the role of this variant in disease. Therefore, it has been classified as a Variant of Uncertain Significance.